The following is an entry in ClinVar:

ClinVar aggregate classification (germline): Uncertain significance (1 of 4 stars; one submission).

Conditions:
Hereditary cancer-predisposing syndrome. Also called: Neoplastic Syndromes, Hereditary; Hereditary Cancer Syndrome; Tumor predisposition; Hereditary neoplastic syndrome. Identifiers: Orphanet 140162, MedGen C0027672, MeSH D009386, MONDO:0015356.

Submission:

Ambry Genetics
Classification: Uncertain significance for Hereditary cancer-predisposing syndrome. Last evaluated: 2025-02-24. Review status: criteria provided, single submitter. Criteria: Ambry Variant Classification Scheme 2023. Collection method: clinical testing. Allele origin: germline.
Comment: The p.S361P variant (also known as c.1081T>C), located in coding exon 9 of the TSC1 gene, results from a T to C substitution at nucleotide position 1081. The serine at codon 361 is replaced by proline, an amino acid with similar properties. This amino acid position is conserved. In addition, this alteration is predicted to be deleterious by in silico analysis. Based on the available evidence, the clinical significance of this variant remains unclear.

NM_000368.5(TSC1):c.1081T>C (p.Ser361Pro)

Gene: TSC1 (TSC complex subunit 1; minus strand). Cytogenetic location: 9q34.13.
Variant type: single nucleotide variant.
Coding change: c.1081T>C on transcript NM_000368.5 (MANE Select); coding-DNA position 1081, T replaced by C.
Protein change: p.Ser361Pro; replaces serine 361 with proline.
Molecular consequence: missense variant. On other transcripts: non-coding transcript variant (5).
Genome position (GRCh38, 1-based): chr9:132,911,062, A>G on the plus strand (T>C on the coding strand, the complement: TSC1 is on the minus strand). VCF-style: chr9-132911062-A-G. GRCh37 (hg19) VCF-style: chr9-135786449-A-G.
Other names: c.1081T>C, p.Ser361Pro (NM_001162426.2, NM_001406592.1, NM_001406593.1 and 16 more transcripts); c.928T>C, p.Ser310Pro (NM_001162427.2, NM_001406610.1, NM_001406611.1 and 2 more transcripts); c.718T>C, p.Ser240Pro (NM_001362177.2, NM_001406614.1, NM_001406615.1 and 10 more transcripts); c.130T>C, p.Ser44Pro (NM_001406626.1, NM_001406627.1, NM_001406628.1); c.31T>C, p.Ser11Pro (NM_001406629.1, NM_001406630.1); short protein forms S240P, S310P, S361P, S44P, S11P.
Identifiers: ClinVar variation 3811259 (VCV003811259.1).